The following is an entry in ClinVar:

NM_003183.6(ADAM17):c.362-11T>C

Gene: ADAM17 (ADAM metallopeptidase domain 17; minus strand). Cytogenetic location: 2p25.1.
Variant type: single nucleotide variant.
Coding change: c.362-11T>C on transcript NM_003183.6 (MANE Select); 11 bases into the intron before coding-DNA position 362, T replaced by C.
Molecular consequence: intron variant.
Genome position (GRCh38, 1-based): chr2:9,535,933, A>G on the plus strand (T>C on the coding strand, the complement: ADAM17 is on the minus strand). VCF-style: chr2-9535933-A-G. GRCh37 (hg19) VCF-style: chr2-9676062-A-G.
Other names: c.-319-11T>C (NM_001382777.1); c.-561-11T>C (NM_001382778.1).
Identifiers: ClinVar variation 1033978 (VCV001033978.4), dbSNP rs1664944582, ClinGen allele CA1027428130.

ClinVar aggregate classification (germline): Conflicting classifications of pathogenicity. Review status: criteria provided, conflicting classifications (1 of 4 stars). 2 submissions from 2 submitters: Uncertain significance (1); Likely benign (1). Last evaluated 2023-09-20.

Conditions:
Inflammatory skin and bowel disease, neonatal, 1. Identifiers: Orphanet 294023, MedGen C3280501, MONDO:0013693, OMIM 614328.

Allele frequency attached by ClinVar (database versions not stated): gnomAD 0.00001; gnomAD exomes 0.00001; TOPMed 0.00001.
gnomAD v4.1: 9 of 1,486,528 alleles (0.00061%); highest among the groups gnomAD compares: Non-Finnish European, 0.00081%; no homozygotes.

Submissions (2):

Labcorp Genetics (formerly Invitae), Labcorp
Classification: Likely benign for Inflammatory skin and bowel disease, neonatal, 1. Last evaluated: 2023-09-20. Review status: criteria provided, single submitter. Criteria: Invitae Variant Classification Sherloc (09022015). Collection method: clinical testing. Allele origin: germline.

Baylor Genetics
Classification: Uncertain significance for Inflammatory skin and bowel disease, neonatal, 1. Last evaluated: 2018-01-13. Review status: criteria provided, single submitter. Criteria: ACMG Guidelines, 2015. Collection method: clinical testing. Allele origin: maternal. Affected: yes.
Comment: This variant was determined to be of uncertain significance according to ACMG Guidelines, 2015 [PMID:25741868].